The following is an entry in ClinVar:

ClinVar aggregate classification (germline): Uncertain significance (1 of 4 stars; one submission).

Conditions:
Inborn genetic diseases. Identifiers: MedGen C0950123, MeSH D030342.

Submission:

Ambry Genetics
Classification: Uncertain significance for Inborn genetic diseases. Last evaluated: 2026-09-04. Review status: criteria provided, single submitter. Criteria: Ambry Variant Classification Scheme 2023. Collection method: clinical testing. Allele origin: germline.
Comment: The p.A192S variant (also known as c.574G>T), located in coding exon 5 of the PAX5 gene, results from a G to T substitution at nucleotide position 574. The alanine at codon 192 is replaced by serine, an amino acid with similar properties. This amino acid position is conserved. In addition, the in silico prediction for this alteration is inconclusive. Based on the available evidence, the clinical significance of this variant remains unclear.

NM_016734.3(PAX5):c.574G>T (p.Ala192Ser)

Genes: PAX5 (paired box 5; minus strand), LOC105376032 (uncharacterized LOC105376032; plus strand). Cytogenetic location: 9p13.2.
Variant type: single nucleotide variant.
Coding change: c.574G>T on transcript NM_016734.3 (MANE Select); coding-DNA position 574, G replaced by T.
Protein change: p.Ala192Ser; replaces alanine 192 with serine.
Molecular consequence: missense variant. On other transcripts: non-coding transcript variant (2), intron variant (2).
Genome position (GRCh38, 1-based): chr9:37,002,678, C>A on the plus strand (G>T on the coding strand, the complement: PAX5 is on the minus strand). VCF-style: chr9-37002678-C-A. GRCh37 (hg19) VCF-style: chr9-37002675-C-A.
Other names: c.574G>T, p.Ala192Ser (NM_001280547.2, NM_001280548.2, NM_001280549.2 and 2 more transcripts); c.250G>T, p.Ala84Ser (NM_001280551.2, NM_001280556.2); c.376G>T, p.Ala126Ser (NM_001280555.2); c.475+3795G>T (NM_001280553.2, NM_001280554.2); short protein forms A126S, A192S, A84S.
Identifiers: ClinVar variation 5026320 (VCV005026320.1).
Genomic context (GRCh38, chr9:37,002,678, plus strand): 5'-CCCCGACGGGGCTGCGCGGGCCTCTCTTACCTTCGTCTCTCTTGCGCTTGTTGGTGTCGG[C>A]GCTGGGGGACGTGATGCCCAGGATGCCGCTGATGGAGTACGACGAGCCGGCCGAATCCGT-3'
Protein context (NP_057953.1, residues 182-202): SGILGITSPS[Ala192Ser]DTNKRKRDEG